The following is an entry in ClinVar:

NM_003001.5(SDHC):c.*52C>T

Gene: SDHC (succinate dehydrogenase complex subunit C; plus strand). Cytogenetic location: 1q23.3.
Variant type: single nucleotide variant.
Coding change: c.*52C>T on transcript NM_003001.5 (MANE Select); 52 bases downstream of the stop codon, C replaced by T.
Molecular consequence: 3 prime UTR variant. On other transcripts: missense variant (3), non-coding transcript variant (1).
Genome position (GRCh38, 1-based): chr1:161,362,485, C>T. VCF-style: chr1-161362485-C-T. GRCh37 (hg19) VCF-style: chr1-161332275-C-T.
Other names: c.398C>T, p.Ser133Phe (NM_001035511.3); c.*52C>T (NM_001035512.3, NM_001035513.3, NM_001407115.1 and 5 more transcripts); c.296C>T, p.Ser99Phe (NM_001278172.3); c.341C>T, p.Ser114Phe (NM_001407121.1); short protein forms S99F, S114F, S133F.
Identifiers: ClinVar variation 5029351 (VCV005029351.1).
Genomic context (GRCh38, chr1:161,362,485, plus strand): 5'-GCCATGTGAAGAAAGGAGGCTCCCAGCATCATCTTCCTACACATTATTACATTCACCCAT[C>T]TTTCTGTTTGTCATTCTTATCTCCAGCCTGGGAAAAGTTCTCCTTATTTGTTTAGATCCT-3'

ClinVar aggregate classification (germline): Uncertain significance (1 of 4 stars; one submission).

Conditions:
Hereditary cancer-predisposing syndrome. Also called: Neoplastic Syndromes, Hereditary; Tumor predisposition; Hereditary neoplastic syndrome; Hereditary Cancer Syndrome. Identifiers: Orphanet 140162, MedGen C0027672, MeSH D009386, MONDO:0015356.

Submission:

Ambry Genetics
Classification: Uncertain significance for Hereditary cancer-predisposing syndrome. Last evaluated: 2026-07-07. Review status: criteria provided, single submitter. Criteria: Ambry Variant Classification Scheme 2023. Collection method: clinical testing. Allele origin: germline.
Comment: The p.S133F variant (also known as c.398C>T), located in coding exon 5 of the SDHC gene, results from a C to T substitution at nucleotide position 398. The serine at codon 133 is replaced by phenylalanine, an amino acid with highly dissimilar properties. This amino acid position is conserved. In addition, the in silico prediction for this alteration is inconclusive. Based on the available evidence, the clinical significance of this variant remains unclear.